The following is an entry in ClinVar:

ClinVar aggregate classification (germline): Likely pathogenic. Review status: criteria provided, multiple submitters, no conflicts (2 of 4 stars). 4 submissions from 4 submitters: Likely pathogenic (4). Last evaluated 2025-02-26.

Conditions:
Aminoglycoside-induced deafness. Also called: STREPTOMYCIN OTOTOXICITY; MT-RNR1-Related Hearing Loss and Deafness; DEAFNESS, STREPTOMYCIN-INDUCED. Identifiers: Orphanet 168609, MedGen C1838854, MONDO:0010799, OMIM 580000.
Acute infantile liver failure due to synthesis defect of mtDNA-encoded proteins. Also called: LIVER FAILURE, INFANTILE, TRANSIENT; TRMU Deficiency; Liver failure acute infantile. Identifiers: Orphanet 217371, MedGen C3278664, MONDO:0013111, OMIM 613070.

Submissions (4):

Natera, Inc.
Classification: Likely pathogenic for Acute infantile liver failure due to synthesis defect of mtDNA-encoded proteins. Last evaluated: 2025-02-26. Review status: criteria provided, single submitter. Criteria: Natera Variant Classification Schema (03/2026). Collection method: clinical testing. Allele origin: germline.
Comment: The c.882delG variant in TRMU is a frameshift variant predicted to shift the reading frame beginning at codon 295 and leads to a stop codon 11 codons downstream. This variant is expected to result in nonsense mediated decay, truncation, or a dysfunctional protein product. This variant is rare in the general population with a frequency below the threshold expected for the associated phenotype(s). Given the available evidence, this variant is classified as Likely Pathogenic.

Baylor Genetics
Classification: Likely pathogenic for Aminoglycoside-induced deafness. Last evaluated: 2024-02-10. Review status: criteria provided, single submitter. Criteria: ACMG Guidelines, 2015. Collection method: clinical testing. Allele origin: unknown.

Fulgent Genetics
Classification: Likely pathogenic for Aminoglycoside-induced deafness; Acute infantile liver failure due to synthesis defect of mtDNA-encoded proteins. Last evaluated: 2024-01-06. Review status: criteria provided, single submitter. Criteria: ACMG Guidelines, 2015. Collection method: clinical testing. Allele origin: germline.

Women's Health and Genetics/Laboratory Corporation of America, LabCorp
Classification: Likely pathogenic for Acute infantile liver failure due to synthesis defect of mtDNA-encoded proteins. Last evaluated: 2022-07-28. Review status: criteria provided, single submitter. Criteria: LabCorp Variant Classification Summary - May 2015. Collection method: clinical testing. Allele origin: germline.
Comment: Variant summary: TRMU c.882delG (p.Thr295GlnfsX11) results in a premature termination codon, predicted to cause a truncation of the encoded protein or absence of the protein due to nonsense mediated decay, which are commonly known mechanisms for disease. The variant was absent in 248070 control chromosomes. To our knowledge, no occurrence of c.882delG in individuals affected with Liver Failure Acute Infantile, Transient and no experimental evidence demonstrating its impact on protein function have been reported. No clinical diagnostic laboratories have submitted clinical-significance assessments for this variant to ClinVar after 2014. Based on the evidence outlined above, the variant was classified as likely pathogenic.

NM_018006.5(TRMU):c.882del (p.Thr295fs)

Gene: TRMU (tRNA mitochondrial 2-thiouridylase; plus strand). Cytogenetic location: 22q13.31.
Variant type: Deletion.
Coding change: c.882del on transcript NM_018006.5 (MANE Select); coding-DNA position 882, one base deleted (G; older notation c.882delG).
Protein change: p.Thr295fs; shifts the reading frame from threonine 295.
Molecular consequence: frameshift variant. On other transcripts: non-coding transcript variant (2).
Genome position (GRCh38, 1-based): chr22:46,355,452, G deleted; the last of 2 consecutive G bases (chr22:46,355,451-46,355,452); deleting either gives the same sequence. VCF-style (leftmost placement, unchanged base first): chr22-46355450-CG-C. GRCh37 (hg19) VCF-style: chr22-46751347-CG-C.
Other names: c.*326delG (NM_001008568.2); c.*420delG (NM_001008570.2); c.540del, p.Thr181fs (NM_001282782.2); c.462del, p.Thr155fs (NM_001282783.2, NM_001282784.2); c.882del, p.Thr295fs (NM_001282785.2); short protein forms T155fs, T181fs, T295fs.
Identifiers: ClinVar variation 1704581 (VCV001704581.5), dbSNP rs1225948299, ClinGen allele CA2516656424.